The following is an entry in ClinVar:

NM_031471.6(FERMT3):c.1139C>T (p.Thr380Ile)

Gene: FERMT3 (FERM domain containing kindlin 3; plus strand). Cytogenetic location: 11q13.1.
Variant type: single nucleotide variant.
Coding change: c.1139C>T on transcript NM_031471.6 (MANE Select); coding-DNA position 1139, C replaced by T.
Protein change: p.Thr380Ile; replaces threonine 380 with isoleucine.
Molecular consequence: missense variant.
Genome position (GRCh38, 1-based): chr11:64,219,950, C>T. VCF-style: chr11-64219950-C-T. GRCh37 (hg19) VCF-style: chr11-63987422-C-T.
Other names: c.1139C>T, p.Thr380Ile (NM_001382361.1, NM_001382448.1); c.1151C>T, p.Thr384Ile (NM_001382362.1, NM_178443.3); c.599C>T, p.Thr200Ile (NM_001382363.1); c.611C>T, p.Thr204Ile (NM_001382364.1); short protein forms T380I, T384I, T204I, T200I.
Identifiers: ClinVar variation 949178 (VCV000949178.9), dbSNP rs1946639980, ClinGen allele CA381086781.

ClinVar aggregate classification (germline): Uncertain significance (1 of 4 stars; one submission).

Conditions:
Leukocyte adhesion deficiency 3. Also called: Leukocyte adhesion deficiency, type III; INTEGRIN ACTIVATION DEFICIENCY DISEASE; LEUKOCYTE ADHESION DEFICIENCY 1 VARIANT. Identifiers: Orphanet 2968, Orphanet 99844, MedGen C2748536, MONDO:0013016, OMIM 612840.

Allele frequency attached by ClinVar (database versions not stated): TOPMed below 0.00001.

Submission:

Labcorp Genetics (formerly Invitae), Labcorp
Classification: Uncertain significance for Leukocyte adhesion deficiency 3. Last evaluated: 2023-11-03. Review status: criteria provided, single submitter. Criteria: Invitae Variant Classification Sherloc (09022015). Collection method: clinical testing. Allele origin: germline.
Comment: This sequence change replaces threonine, which is neutral and polar, with isoleucine, which is neutral and non-polar, at codon 380 of the FERMT3 protein (p.Thr380Ile). This variant is not present in population databases (gnomAD no frequency). This variant has not been reported in the literature in individuals affected with FERMT3-related conditions. ClinVar contains an entry for this variant (Variation ID: 949178). Advanced modeling of protein sequence and biophysical properties (such as structural, functional, and spatial information, amino acid conservation, physicochemical variation, residue mobility, and thermodynamic stability) performed at Invitae indicates that this missense variant is not expected to disrupt FERMT3 protein function with a negative predictive value of 80%. In summary, the available evidence is currently insufficient to determine the role of this variant in disease. Therefore, it has been classified as a Variant of Uncertain Significance.